The following is an entry in ClinVar:

ClinVar aggregate classification (germline): Uncertain significance (1 of 4 stars; one submission).

Conditions:
Ataxia-telangiectasia syndrome (AT). Also called: Ataxia telangiectasia (A-T); ATAXIA-TELANGIECTASIA, COMPLEMENTATION GROUP A; ATAXIA-TELANGIECTASIA, FRESNO VARIANT; Ataxia-telangiectasia; Ataxia-telangiectasia, complementation group E; LOUIS-BAR SYNDROME. Identifiers: Orphanet 100, MedGen C0004135, MONDO:0008840, OMIM 208900.

Submission:

Labcorp Genetics (formerly Invitae), Labcorp
Classification: Uncertain significance for Ataxia-telangiectasia syndrome. Last evaluated: 2020-10-19. Review status: criteria provided, single submitter. Criteria: Invitae Variant Classification Sherloc (09022015). Collection method: clinical testing. Allele origin: germline.
Comment: In summary, the available evidence is currently insufficient to determine the role of this variant in disease. Therefore, it has been classified as a Variant of Uncertain Significance. Algorithms developed to predict the effect of missense changes on protein structure and function (SIFT, PolyPhen-2, Align-GVGD) all suggest that this variant is likely to be disruptive, but these predictions have not been confirmed by published functional studies and their clinical significance is uncertain. This variant has not been reported in the literature in individuals with ATM-related conditions. This variant is not present in population databases (ExAC no frequency). This sequence change replaces lysine with threonine at codon 3016 of the ATM protein (p.Lys3016Thr). The lysine residue is highly conserved and there is a moderate physicochemical difference between lysine and threonine.

NM_000051.4(ATM):c.9047A>C (p.Lys3016Thr)

Genes: ATM (ATM serine/threonine kinase; plus strand), C11orf65 (chromosome 11 open reading frame 65; minus strand). Cytogenetic location: 11q22.3.
Variant type: single nucleotide variant.
Coding change: c.9047A>C on transcript NM_000051.4 (MANE Select); coding-DNA position 9047, A replaced by C.
Protein change: p.Lys3016Thr; replaces lysine 3016 with threonine.
Molecular consequence: missense variant. On other transcripts: intron variant (2).
Genome position (GRCh38, 1-based): chr11:108,365,384, A>C. VCF-style: chr11-108365384-A-C. GRCh37 (hg19) VCF-style: chr11-108236111-A-C.
Other names: c.9047A>C, p.Lys3016Thr (NM_001351834.2); c.640+20536T>G (NM_001330368.2); c.694+20536T>G (NM_001351110.2); short protein forms K3016T.
Identifiers: ClinVar variation 1051368 (VCV001051368.47), dbSNP rs2137912584, ClinGen allele CA382531443.